The following is an entry in ClinVar:

NM_001378454.1(ALMS1):c.5422_5425del (p.His1808fs)

Gene: ALMS1 (ALMS1 centrosome and basal body associated protein; plus strand). Cytogenetic location: 2p13.1.
Variant type: Microsatellite.
Coding change: c.5422_5425del on transcript NM_001378454.1 (MANE Select); coding-DNA positions 5422 to 5425, 4 bases deleted (CACA; older notation c.5422_5425delCACA).
Protein change: p.His1808fs; shifts the reading frame from histidine 1808.
Molecular consequence: frameshift variant.
Genome position (GRCh38, 1-based): chr2:73,451,949-73,451,952, CACA deleted; deleting any 4 consecutive bases within chr2:73,451,947-73,451,952 gives the same sequence; the c. name uses the placement nearest the transcript's 3' end. VCF-style (leftmost placement, unchanged base first): chr2-73451946-TCACA-T. GRCh37 (hg19) VCF-style: chr2-73679073-TCACA-T.
Other names: c.5423_5426del (NM_015120.4); c.5425_5428del, p.His1809fs (NM_015120.4); short protein forms H1808fs, H1809fs.
Identifiers: ClinVar variation 997833 (VCV000997833.2), dbSNP rs1671951264, ClinGen allele CA1260960052.

ClinVar aggregate classification (germline): Pathogenic (0 of 4 stars; one submission).

Conditions:
Alstrom syndrome (ALMS). Identifiers: Orphanet 64, MedGen C0268425, MONDO:0008763, OMIM 203800.

Submission:

Rare Diseases Lab, University of Vigo
Classification: Pathogenic for Alstrom syndrome. Last evaluated: 2021-02-09. Review status: no assertion criteria provided. Collection method: research. Allele origin: germline. Affected: yes. Observed: 1 variant allele.